The following is an entry in ClinVar:

ClinVar aggregate classification (germline): Likely benign. Review status: criteria provided, single submitter (1 of 4 stars). 2 submissions from 2 submitters: Likely benign (1). 1 of the submissions does not count toward it. Last evaluated 2024-11-05.

Conditions:
SLC25A19-related disorder. Also called: SLC25A19-related condition.

Allele frequency attached by ClinVar (database versions not stated): TOPMed below 0.00001; gnomAD 0.00001; gnomAD exomes 0.00001; ExAC 0.00003.
gnomAD v4.1: 17 of 1,613,502 alleles (0.0011%); highest among the groups gnomAD compares: Admixed American, 0.012%; no homozygotes.

Submissions (2):

Labcorp Genetics (formerly Invitae), Labcorp
Classification: Likely benign. Last evaluated: 2024-11-05. Review status: criteria provided, single submitter. Criteria: Invitae Variant Classification Sherloc (09022015). Collection method: clinical testing. Allele origin: germline.

PreventionGenetics, part of Exact Sciences
Classification: Likely benign for SLC25A19-related condition. Last evaluated: 2019-02-27. Review status: no assertion criteria provided. Collection method: clinical testing. Allele origin: germline. Not counted in ClinVar's aggregate classification.
Comment: This variant is classified as likely benign based on ACMG/AMP sequence variant interpretation guidelines (Richards et al. 2015 PMID: 25741868, with internal and published modifications).

NM_001126121.2(SLC25A19):c.333C>T (p.Ser111=)

Gene: SLC25A19 (solute carrier family 25 member 19; minus strand). Cytogenetic location: 17q25.1.
Variant type: single nucleotide variant.
Coding change: c.333C>T on transcript NM_001126121.2 (MANE Select); coding-DNA position 333, C replaced by T.
Protein change: p.Ser111=; no amino-acid change (serine 111 retained).
Molecular consequence: synonymous variant.
Genome position (GRCh38, 1-based): chr17:75,283,549, G>A on the plus strand (C>T on the coding strand, the complement: SLC25A19 is on the minus strand). VCF-style: chr17-75283549-G-A. GRCh37 (hg19) VCF-style: chr17-73279630-G-A.
Other names: c.333C>T (NM_021734.4); c.333C>T, p.Ser111= (NM_001126122.2, NM_021734.5).
Identifiers: ClinVar variation 2201967 (VCV002201967.6), dbSNP rs754010071, ClinGen allele CA8761030.